The following is an entry in ClinVar:

NM_172364.5(CACNA2D4):c.2047G>T (p.Gly683Cys)

Gene: CACNA2D4 (calcium voltage-gated channel auxiliary subunit alpha2delta 4; minus strand). Cytogenetic location: 12p13.33.
Variant type: single nucleotide variant.
Coding change: c.2047G>T on transcript NM_172364.5 (MANE Select); coding-DNA position 2047, G replaced by T.
Protein change: p.Gly683Cys; replaces glycine 683 with cysteine.
Molecular consequence: missense variant.
Genome position (GRCh38, 1-based): chr12:1,856,191, C>A on the plus strand (G>T on the coding strand, the complement: CACNA2D4 is on the minus strand). VCF-style: chr12-1856191-C-A. GRCh37 (hg19) VCF-style: chr12-1965357-C-A.
Other names: short protein forms G683C.
Identifiers: ClinVar variation 1721829 (VCV001721829.5), dbSNP rs202195511, ClinGen allele CA383349584.

ClinVar aggregate classification (germline): Uncertain significance (1 of 4 stars; one submission).

gnomAD v4.1: 3 of 1,614,010 alleles (0.00019%); highest among the groups gnomAD compares: South Asian, 0.0022%; no homozygotes.

Submission:

Labcorp Genetics (formerly Invitae), Labcorp
Classification: Uncertain significance. Last evaluated: 2022-10-19. Review status: criteria provided, single submitter. Criteria: Invitae Variant Classification Sherloc (09022015). Collection method: clinical testing. Allele origin: germline.
Comment: In summary, the available evidence is currently insufficient to determine the role of this variant in disease. Therefore, it has been classified as a Variant of Uncertain Significance. Algorithms developed to predict the effect of missense changes on protein structure and function are either unavailable or do not agree on the potential impact of this missense change (SIFT: "Deleterious"; PolyPhen-2: "Benign"; Align-GVGD: "Class C0"). This variant has not been reported in the literature in individuals affected with CACNA2D4-related conditions. This sequence change replaces glycine, which is neutral and non-polar, with cysteine, which is neutral and slightly polar, at codon 683 of the CACNA2D4 protein (p.Gly683Cys). This variant is not present in population databases (gnomAD no frequency).